The following is an entry in ClinVar:

NM_152783.5(D2HGDH):c.1377C>A (p.Pro459=)

Gene: D2HGDH (D-2-hydroxyglutarate dehydrogenase; plus strand). Cytogenetic location: 2q37.3.
Variant type: single nucleotide variant.
Coding change: c.1377C>A on transcript NM_152783.5 (MANE Select); coding-DNA position 1377, C replaced by A.
Protein change: p.Pro459=; no amino-acid change (proline 459 retained).
Molecular consequence: synonymous variant. On other transcripts: non-coding transcript variant (1).
Genome position (GRCh38, 1-based): chr2:241,767,780, C>A. VCF-style: chr2-241767780-C-A. GRCh37 (hg19) VCF-style: chr2-242707195-C-A.
Other names: p.Pro459=; c.975C>A, p.Pro325= (NM_001287249.2); c.816C>A, p.Pro272= (NM_001352824.2).
Identifiers: ClinVar variation 158412 (VCV000158412.19), dbSNP rs143940595, ClinGen allele CA171827.

ClinVar aggregate classification (germline): Benign. Review status: criteria provided, multiple submitters, no conflicts (2 of 4 stars). 5 submissions from 5 submitters: Benign (4). 1 of the submissions does not count toward it. Last evaluated 2026-02-02.

Conditions:
D-2-hydroxyglutaric aciduria 1 (D2HGA1). Identifiers: Orphanet 79315, MedGen C3152055, MONDO:0024554, OMIM 600721.

Allele frequency attached by ClinVar (database versions not stated): 1000 Genomes Project 0.00559; 1000 Genomes Project 30x 0.00562; TOPMed 0.01123; ExAC 0.01372; ESP Exome Variant Server 0.01247; gnomAD 0.01255 and 0.01280; gnomAD exomes 0.01304.
gnomAD v4.1: 23,515 of 1,612,484 alleles (1.5%); highest among the groups gnomAD compares: Non-Finnish European, 1.6%; 224 homozygotes.

Submissions (5):

Labcorp Genetics (formerly Invitae), Labcorp
Classification: Benign for D-2-hydroxyglutaric aciduria 1. Last evaluated: 2026-02-02. Review status: criteria provided, single submitter. Criteria: Invitae Variant Classification Sherloc (09022015). Collection method: clinical testing. Allele origin: germline.

Mayo Clinic Laboratories, Mayo Clinic
Classification: Benign. Last evaluated: 2025-02-21. Review status: criteria provided, single submitter. Criteria: ACMG Guidelines, 2015. Collection method: clinical testing. Allele origin: germline. Observed: 34 variant alleles.
Comment: BA1, BS2

Illumina Laboratory Services, Illumina
Classification: Benign for D-2-hydroxyglutaric aciduria 1. Last evaluated: 2018-01-13. Review status: criteria provided, single submitter. Criteria: ICSL Variant Classification Criteria 13 December 2019. Collection method: clinical testing. Allele origin: germline.
Comment: This variant was observed in the ICSL laboratory as part of a predisposition screen in an ostensibly healthy population. It had not been previously curated by ICSL or reported in the Human Gene Mutation Database (HGMD: prior to June 1st, 2018), and was therefore a candidate for classification through an automated scoring system. Utilizing variant allele frequency, disease prevalence and penetrance estimates, and inheritance mode, an automated score was calculated to assess if this variant is too frequent to cause the disease. Based on the score and internal cut-off values, a variant classified as benign is not then subjected to further curation. The score for this variant resulted in a classification of benign for this disease.

Breakthrough Genomics
Classification: Benign. Review status: criteria provided, single submitter. Criteria: ACMG Guidelines, 2015. Collection method: not provided. Allele origin: germline. Inheritance: Autosomal recessive inheritance. Affected: yes.

Genetic Services Laboratory, University of Chicago
Classification: Likely benign. Review status: no assertion criteria provided. Collection method: clinical testing. Allele origin: germline. Inheritance: Autosomal recessive inheritance. Not counted in ClinVar's aggregate classification.
Comment: Likely benign based on allele frequency in 1000 Genomes Project or ESP global frequency and its presence in a patient with a rare or unrelated disease phenotype. NOT Sanger confirmed